The following is an entry in ClinVar:

ClinVar aggregate classification (germline): Likely benign. Review status: criteria provided, multiple submitters, no conflicts (2 of 4 stars). 2 submissions from 2 submitters: Likely benign (2). Last evaluated 2025-01-12.

Conditions:
SCAPER-related disorder. Also called: SCAPER-related condition.

gnomAD v4.1: 56 of 1,612,904 alleles (0.0035%); highest among the groups gnomAD compares: East Asian, 0.065%; no homozygotes.

Submissions (2):

PreventionGenetics, part of Exact Sciences
Classification: Likely benign for SCAPER-related condition. Last evaluated: 2025-01-12. Review status: criteria provided, single submitter. Criteria: ACMG Guidelines, 2015. Collection method: clinical testing. Allele origin: germline.
Comment: This variant is classified as likely benign based on ACMG/AMP sequence variant interpretation guidelines (Richards et al. 2015 PMID: 25741868, with internal and published modifications).

Blueprint Genetics
Classification: Likely benign. Last evaluated: 2022-11-16. Review status: criteria provided, single submitter. Criteria: ACMG Guidelines, 2015. Collection method: clinical testing. Allele origin: germline.

NM_020843.4(SCAPER):c.801C>T (p.Thr267=)

Gene: SCAPER (S-phase cyclin A associated protein in the ER; minus strand). Cytogenetic location: 15q24.3.
Variant type: single nucleotide variant.
Coding change: c.801C>T on transcript NM_020843.4 (MANE Select); coding-DNA position 801, C replaced by T.
Protein change: p.Thr267=; no amino-acid change (threonine 267 retained).
Molecular consequence: synonymous variant. On other transcripts: non-coding transcript variant (1).
Genome position (GRCh38, 1-based): chr15:76,775,089, G>A on the plus strand (C>T on the coding strand, the complement: SCAPER is on the minus strand). VCF-style: chr15-76775089-G-A. GRCh37 (hg19) VCF-style: chr15-77067430-G-A.
Other names: c.801C>T (NM_001353009.1); c.63C>T, p.Thr21= (NM_001145923.2); c.801C>T, p.Thr267= (NM_001353009.2); c.399C>T, p.Thr133= (NM_001353010.2, NM_001353011.2, NM_001353012.2).
Identifiers: ClinVar variation 4926005 (VCV004926005.2).